The following is an entry in ClinVar:

ClinVar aggregate classification (germline): Uncertain significance. Review status: criteria provided, multiple submitters, no conflicts (2 of 4 stars). 3 submissions from 3 submitters: Uncertain significance (3). Last evaluated 2025-01-13.

Conditions:
RASopathy. Also called: rasopathies; Noonan spectrum disorder. Identifiers: Orphanet 536391, MedGen C5555857, MONDO:0021060.

Allele frequency attached by ClinVar (database versions not stated): gnomAD 0.00001; gnomAD exomes 0.00001 and 0.00002; TOPMed 0.00001.
gnomAD v4.1: 12 of 1,614,062 alleles (0.00074%); highest among the groups gnomAD compares: East Asian, 0.027%; no homozygotes.

Submissions (3):

Labcorp Genetics (formerly Invitae), Labcorp
Classification: Uncertain significance for RASopathy. Last evaluated: 2025-01-13. Review status: criteria provided, single submitter. Criteria: Invitae Variant Classification Sherloc (09022015). Collection method: clinical testing. Allele origin: germline.
Comment: This sequence change replaces glycine, which is neutral and non-polar, with serine, which is neutral and polar, at codon 845 of the CBL protein (p.Gly845Ser). This variant is present in population databases (no rsID available, gnomAD 0.02%). This variant has not been reported in the literature in individuals affected with CBL-related conditions. ClinVar contains an entry for this variant (Variation ID: 449121). Invitae Evidence Modeling of protein sequence and biophysical properties (such as structural, functional, and spatial information, amino acid conservation, physicochemical variation, residue mobility, and thermodynamic stability) indicates that this missense variant is not expected to disrupt CBL protein function with a negative predictive value of 95%. In summary, the available evidence is currently insufficient to determine the role of this variant in disease. Therefore, it has been classified as a Variant of Uncertain Significance.

Women's Health and Genetics/Laboratory Corporation of America, LabCorp
Classification: Uncertain significance. Last evaluated: 2023-06-25. Review status: criteria provided, single submitter. Criteria: LabCorp Variant Classification Summary - May 2015. Collection method: clinical testing. Allele origin: germline.

GeneDx
Classification: Uncertain significance. Last evaluated: 2017-11-03. Review status: criteria provided, single submitter. Criteria: GeneDx Variant Classification (06012015). Collection method: clinical testing. Allele origin: germline. Affected: yes.
Comment: The G845S variant has not been published as a pathogenic variant, nor has it been reported as a benign variant to our knowledge. The variant is observed in 3/17248 (0.017%) alleles from individuals of East Asian background in large population cohorts (Lek et al., 2016). G845S is a non-conservative amino acid substitution, which is likely to impact secondary protein structure as these residues differ in polarity, charge, size and/or other properties. However, this substitution occurs at a position that is not conserved, and in silico analysis predicts this variant likely does not alter the protein structure/function. In summary, based on the currently available information, it is unclear whether this variant is a pathogenic variant or a rare benign variant.

NM_005188.4(CBL):c.2533G>A (p.Gly845Ser)

Gene: CBL (Cbl proto-oncogene; plus strand). Cytogenetic location: 11q23.3.
Variant type: single nucleotide variant.
Coding change: c.2533G>A on transcript NM_005188.4 (MANE Select); coding-DNA position 2533, G replaced by A.
Protein change: p.Gly845Ser; replaces glycine 845 with serine.
Molecular consequence: missense variant.
Genome position (GRCh38, 1-based): chr11:119,299,593, G>A. VCF-style: chr11-119299593-G-A. GRCh37 (hg19) VCF-style: chr11-119170303-G-A.
Other names: c.2533G>A (NM_005188.3); short protein forms G845S.
Identifiers: ClinVar variation 449121 (VCV000449121.10), dbSNP rs997859448, ClinGen allele CA229652891.